The following is an entry in ClinVar:

ClinVar aggregate classification (germline): Uncertain significance. Review status: criteria provided, multiple submitters, no conflicts (2 of 4 stars). 2 submissions from 2 submitters: Uncertain significance (2). Last evaluated 2022-11-29.

Conditions:
Charcot-Marie-Tooth disease type 4. Also called: Charcot-Marie-Tooth disease, type IV; Charcot-Marie-Tooth, Type 4. Identifiers: Orphanet 64749, MedGen C4082197, MONDO:0018995.

Allele frequency attached by ClinVar (database versions not stated): 1000 Genomes Project 30x 0.00016; 1000 Genomes Project 0.00020.
gnomAD v4.1: 20 of 1,614,106 alleles (0.0012%); highest among the groups gnomAD compares: South Asian, 0.021%; 1 homozygote.

Submissions (2):

Revvity Omics, Revvity
Classification: Uncertain significance. Last evaluated: 2022-11-29. Review status: criteria provided, single submitter. Criteria: ACMG Guidelines, 2015. Collection method: clinical testing. Allele origin: germline.

Labcorp Genetics (formerly Invitae), Labcorp
Classification: Uncertain significance for Charcot-Marie-Tooth disease type 4. Last evaluated: 2021-12-29. Review status: criteria provided, single submitter. Criteria: Invitae Variant Classification Sherloc (09022015). Collection method: clinical testing. Allele origin: germline.
Comment: This sequence change replaces aspartic acid, which is acidic and polar, with glutamic acid, which is acidic and polar, at codon 449 of the SH3TC2 protein (p.Asp449Glu). This variant is present in population databases (rs540582352, gnomAD 0.01%). This variant has not been reported in the literature in individuals affected with SH3TC2-related conditions. Advanced modeling of protein sequence and biophysical properties (such as structural, functional, and spatial information, amino acid conservation, physicochemical variation, residue mobility, and thermodynamic stability) performed at Invitae indicates that this missense variant is not expected to disrupt SH3TC2 protein function. In summary, the available evidence is currently insufficient to determine the role of this variant in disease. Therefore, it has been classified as a Variant of Uncertain Significance.

NM_024577.4(SH3TC2):c.1347C>A (p.Asp449Glu)

Gene: SH3TC2 (SH3 domain and tetratricopeptide repeats 2; minus strand). Cytogenetic location: 5q32.
Variant type: single nucleotide variant.
Coding change: c.1347C>A on transcript NM_024577.4 (MANE Select); coding-DNA position 1347, C replaced by A.
Protein change: p.Asp449Glu; replaces aspartic acid 449 with glutamic acid.
Molecular consequence: missense variant.
Genome position (GRCh38, 1-based): chr5:149,028,385, G>T on the plus strand (C>A on the coding strand, the complement: SH3TC2 is on the minus strand). VCF-style: chr5-149028385-G-T. GRCh37 (hg19) VCF-style: chr5-148407948-G-T.
Other names: short protein forms D449E.
Identifiers: ClinVar variation 2181432 (VCV002181432.4), dbSNP rs540582352, ClinGen allele CA3499190.